The following is an entry in ClinVar:

ClinVar aggregate classification (germline): Uncertain significance (1 of 4 stars; one submission).

Conditions:
MHC class I deficiency. Identifiers: Orphanet 34592, MedGen C6024714, MONDO:0011476.

Allele frequency attached by ClinVar (database versions not stated): 1000 Genomes Project 0.00020; gnomAD 0.00001; gnomAD exomes 0.00002; TOPMed 0.00002; ExAC 0.00003; 1000 Genomes Project 30x 0.00016.

Submission:

Labcorp Genetics (formerly Invitae), Labcorp
Classification: Uncertain significance for MHC class I deficiency 1. Last evaluated: 2022-05-01. Review status: criteria provided, single submitter. Criteria: Invitae Variant Classification Sherloc (09022015). Collection method: clinical testing. Allele origin: germline.
Comment: In summary, the available evidence is currently insufficient to determine the role of this variant in disease. Therefore, it has been classified as a Variant of Uncertain Significance. Algorithms developed to predict the effect of missense changes on protein structure and function are either unavailable or do not agree on the potential impact of this missense change (SIFT: "Deleterious"; PolyPhen-2: "Not Available"; Align-GVGD: "Class C0"). This variant has not been reported in the literature in individuals affected with TAP2-related conditions. This variant is present in population databases (rs550712305, gnomAD 0.007%). This sequence change replaces arginine, which is basic and polar, with glutamine, which is neutral and polar, at codon 220 of the TAP2 protein (p.Arg220Gln).

NM_001290043.2(TAP2):c.659G>A (p.Arg220Gln)

Genes: TAP2 (transporter 2, ATP binding cassette subfamily B member; minus strand), LOC107648851 (meiotic recombination hotspot TAP2; plus strand). Cytogenetic location: 6p21.32.
Variant type: single nucleotide variant.
Coding change: c.659G>A on transcript NM_001290043.2 (MANE Select); coding-DNA position 659, G replaced by A.
Protein change: p.Arg220Gln; replaces arginine 220 with glutamine.
Molecular consequence: missense variant.
Genome position (GRCh38, 1-based): chr6:32,835,723, C>T on the plus strand (G>A on the coding strand, the complement: TAP2 is on the minus strand). VCF-style: chr6-32835723-C-T. GRCh37 (hg19) VCF-style: chr6-32803500-C-T.
Other names: c.659G>A, p.Arg220Gln (NM_000544.3, NM_018833.3); short protein forms R220Q.
Identifiers: ClinVar variation 2167144 (VCV002167144.4), dbSNP rs550712305, ClinGen allele CA3746093.